The following is an entry in ClinVar:

NM_014845.6(FIG4):c.328A>G (p.Ile110Val)

Gene: FIG4 (FIG4 phosphoinositide 5-phosphatase; plus strand). Cytogenetic location: 6q21.
Variant type: single nucleotide variant.
Coding change: c.328A>G on transcript NM_014845.6 (MANE Select); coding-DNA position 328, A replaced by G.
Protein change: p.Ile110Val; replaces isoleucine 110 with valine.
Molecular consequence: missense variant.
Genome position (GRCh38, 1-based): chr6:109,727,147, A>G. VCF-style: chr6-109727147-A-G. GRCh37 (hg19) VCF-style: chr6-110048350-A-G.
Other names: short protein forms I110V.
Identifiers: ClinVar variation 240927 (VCV000240927.9), dbSNP rs140331779, ClinGen allele CA3955746.

ClinVar aggregate classification (germline): Uncertain significance. Review status: criteria provided, multiple submitters, no conflicts (2 of 4 stars). 3 submissions from 3 submitters: Uncertain significance (3). Last evaluated 2021-08-31.

Conditions:
Charcot-Marie-Tooth disease type 4. Also called: Charcot-Marie-Tooth disease, type IV; Charcot-Marie-Tooth, Type 4. Identifiers: Orphanet 64749, MedGen C4082197, MONDO:0018995.
Inborn genetic diseases. Identifiers: MedGen C0950123, MeSH D030342.

Allele frequency attached by ClinVar (database versions not stated): gnomAD exomes 0.00001 and 0.00004; ExAC 0.00005; ESP Exome Variant Server 0.00008; TOPMed 0.00009; gnomAD 0.00015 and 0.00018.
gnomAD v4.1: 38 of 1,611,808 alleles (0.0024%); highest among the groups gnomAD compares: African/African-American, 0.048%; no homozygotes.

Submissions (3):

Labcorp Genetics (formerly Invitae), Labcorp
Classification: Uncertain significance for Charcot-Marie-Tooth disease type 4. Last evaluated: 2021-08-31. Review status: criteria provided, single submitter. Criteria: Invitae Variant Classification Sherloc (09022015). Collection method: clinical testing. Allele origin: germline.
Comment: This sequence change replaces isoleucine with valine at codon 110 of the FIG4 protein (p.Ile110Val). The isoleucine residue is moderately conserved and there is a small physicochemical difference between isoleucine and valine. This variant is present in population databases (rs140331779, ExAC 0.06%). This variant has not been reported in the literature in individuals affected with FIG4-related conditions. ClinVar contains an entry for this variant (Variation ID: 240927). Algorithms developed to predict the effect of missense changes on protein structure and function are either unavailable or do not agree on the potential impact of this missense change (SIFT: "Tolerated"; PolyPhen-2: "Possibly Damaging"; Align-GVGD: "Class C0"). Algorithms developed to predict the effect of sequence changes on RNA splicing suggest that this variant may create or strengthen a splice site. In summary, the available evidence is currently insufficient to determine the role of this variant in disease. Therefore, it has been classified as a Variant of Uncertain Significance.

Ambry Genetics
Classification: Uncertain significance for Inborn genetic diseases. Last evaluated: 2021-02-20. Review status: criteria provided, single submitter. Criteria: Ambry Variant Classification Scheme 2023. Collection method: clinical testing. Allele origin: germline.
Comment: The p.I110V variant (also known as c.328A>G), located in coding exon 4 of the FIG4 gene, results from an A to G substitution at nucleotide position 328. The isoleucine at codon 110 is replaced by valine, an amino acid with highly similar properties. This amino acid position is highly conserved in available vertebrate species. In addition, this alteration is predicted to be tolerated by in silico analysis. Since supporting evidence is limited at this time, the clinical significance of this alteration remains unclear.

Athena Diagnostics
Classification: Uncertain significance. Last evaluated: 2016-12-29. Review status: criteria provided, single submitter. Criteria: Athena Diagnostics Criteria. Collection method: clinical testing. Allele origin: germline.